The following is an entry in ClinVar:

NM_003632.3(CNTNAP1):c.1228G>A (p.Val410Met)

Gene: CNTNAP1 (contactin associated protein 1; plus strand). Cytogenetic location: 17q21.2.
Variant type: single nucleotide variant.
Coding change: c.1228G>A on transcript NM_003632.3 (MANE Select); coding-DNA position 1228, G replaced by A.
Protein change: p.Val410Met; replaces valine 410 with methionine.
Molecular consequence: missense variant.
Genome position (GRCh38, 1-based): chr17:42,687,903, G>A. VCF-style: chr17-42687903-G-A. GRCh37 (hg19) VCF-style: chr17-40839921-G-A.
Other names: c.1228G>A (NM_003632.2); short protein forms V410M.
Identifiers: ClinVar variation 3242211 (VCV003242211.2), dbSNP rs775036363.

ClinVar aggregate classification (germline): Uncertain significance. Review status: criteria provided, multiple submitters, no conflicts (2 of 4 stars). 2 submissions from 2 submitters: Uncertain significance (2). Last evaluated 2024-03-31.

Conditions:
Inborn genetic diseases. Identifiers: MedGen C0950123, MeSH D030342.
Charcot-Marie-Tooth disease type 4E (CHN1). Also called: HYPOMYELINATION, SEVERE CONGENITAL; Congenital Hypomyelination; Congenital hypomyelinating neuropathy 1, autosomal recessive; CHARCOT-MARIE-TOOTH DISEASE, DEMYELINATING, TYPE 4E; Hypomyelinating neuropathy, congenital, 1. Identifiers: Orphanet 99951, MedGen C4721436, MONDO:0011527, OMIM 605253.

Allele frequency attached by ClinVar (database versions not stated): TOPMed below 0.00001; gnomAD 0.00001; ExAC 0.00003.
gnomAD v4.1: 27 of 1,614,094 alleles (0.0017%); highest among the groups gnomAD compares: South Asian, 0.029%; no homozygotes.

Submissions (2):

Ambry Genetics
Classification: Uncertain significance for Inborn genetic diseases. Last evaluated: 2024-03-31. Review status: criteria provided, single submitter. Criteria: Ambry Variant Classification Scheme 2023. Collection method: clinical testing. Allele origin: germline.

Neuberg Centre For Genomic Medicine, NCGM
Classification: Uncertain significance for Charcot-Marie-Tooth disease type 4E. Review status: criteria provided, single submitter. Criteria: ACMG Guidelines, 2015. Collection method: clinical testing. Allele origin: germline. Inheritance: Autosomal recessive inheritance. Affected: yes.
Comment: The observed missense variant c.1228G>A(p.Val410Met) in CNTNAP1 gene has not been reported previously as a pathogenic variant nor as a benign variant, to our knowledge. The variant is reported with 0.003% allele frequency in gnomAD Exomes. The amino acid Valine at position 410 is changed to a Methionine changing protein sequence and it might alter its composition and physico-chemical properties. The variant is predicted to be damaging by SIFT. The amino acid change p.Val410Met in CNTNAP1 is predicted as conserved by GERP++ and PhyloP across 100 vertebrates. For these reasons, this variant has been classified as Uncertain Significance.